The following is an entry in ClinVar:

NM_025074.7(FRAS1):c.4711+2T>A

Gene: FRAS1 (Fraser extracellular matrix complex subunit 1; plus strand). Cytogenetic location: 4q21.21.
Variant type: single nucleotide variant.
Coding change: c.4711+2T>A on transcript NM_025074.7 (MANE Select); the canonical splice donor site of the intron after coding-DNA position 4711, T replaced by A.
Molecular consequence: splice donor variant.
Genome position (GRCh38, 1-based): chr4:78,424,422, T>A. VCF-style: chr4-78424422-T-A. GRCh37 (hg19) VCF-style: chr4-79345576-T-A.
Other names: c.4711+2T>A (NM_001166133.2).
Identifiers: ClinVar variation 2827517 (VCV002827517.3), dbSNP rs1733919437, ClinGen allele CA357382140.

ClinVar aggregate classification (germline): Likely pathogenic (1 of 4 stars; one submission).

Allele frequency attached by ClinVar (database versions not stated): gnomAD exomes below 0.00001; TOPMed 0.00001.
gnomAD v4.1: 3 of 1,426,016 alleles (0.00021%); highest among the groups gnomAD compares: Non-Finnish European, 0.00028%; no homozygotes.

Submission:

Labcorp Genetics (formerly Invitae), Labcorp
Classification: Likely pathogenic. Last evaluated: 2023-04-01. Review status: criteria provided, single submitter. Criteria: Invitae Variant Classification Sherloc (09022015). Collection method: clinical testing. Allele origin: germline.
Comment: In summary, the currently available evidence indicates that the variant is pathogenic, but additional data are needed to prove that conclusively. Therefore, this variant has been classified as Likely Pathogenic. Algorithms developed to predict the effect of sequence changes on RNA splicing suggest that this variant may disrupt the consensus splice site. This variant has not been reported in the literature in individuals affected with FRAS1-related conditions. This sequence change affects a donor splice site in intron 35 of the FRAS1 gene. It is expected to disrupt RNA splicing. Variants that disrupt the donor or acceptor splice site typically lead to a loss of protein function (PMID: 16199547), and loss-of-function variants in FRAS1 are known to be pathogenic (PMID: 12766769, 18671281). This variant is not present in population databases (gnomAD no frequency).

Literature cited by the submitters: PubMed 16199547; PubMed 12766769; PubMed 18671281.